The following is an entry in ClinVar:

ClinVar aggregate classification (germline): Uncertain significance (1 of 4 stars; one submission).

Conditions:
Familial acute necrotizing encephalopathy (IIAE3). Also called: ENCEPHALOPATHY, ACUTE, INFECTION-INDUCED, SUSCEPTIBILITY TO, 3; Susceptibility to Acute Necrotizing Encephalopathy 1. Identifiers: Orphanet 88619, MedGen C2675556, MONDO:0011953, OMIM 608033.

gnomAD v4.1: 3 of 1,613,692 alleles (0.00019%); highest among the groups gnomAD compares: Non-Finnish European, 0.00017%; no homozygotes.

Submission:

Labcorp Genetics (formerly Invitae), Labcorp
Classification: Uncertain significance for Familial acute necrotizing encephalopathy. Last evaluated: 2021-10-08. Review status: criteria provided, single submitter. Criteria: Invitae Variant Classification Sherloc (09022015). Collection method: clinical testing. Allele origin: germline.
Comment: In summary, the available evidence is currently insufficient to determine the role of this variant in disease. Therefore, it has been classified as a Variant of Uncertain Significance. Algorithms developed to predict the effect of missense changes on protein structure and function output the following: SIFT: "Deleterious"; PolyPhen-2: "Benign"; Align-GVGD: "Class C15". The lysine amino acid residue is found in multiple mammalian species, which suggests that this missense change does not adversely affect protein function. This variant has not been reported in the literature in individuals affected with RANBP2-related conditions. This variant is not present in population databases (ExAC no frequency). This sequence change replaces glutamic acid with lysine at codon 2700 of the RANBP2 protein (p.Glu2700Lys). The glutamic acid residue is highly conserved and there is a small physicochemical difference between glutamic acid and lysine.

NM_006267.5(RANBP2):c.8098G>A (p.Glu2700Lys)

Gene: RANBP2 (RAN binding protein 2; plus strand). Cytogenetic location: 2q13.
Variant type: single nucleotide variant.
Coding change: c.8098G>A on transcript NM_006267.5 (MANE Select); coding-DNA position 8098, G replaced by A.
Protein change: p.Glu2700Lys; replaces glutamic acid 2700 with lysine.
Molecular consequence: missense variant.
Genome position (GRCh38, 1-based): chr2:108,772,566, G>A. VCF-style: chr2-108772566-G-A. GRCh37 (hg19) VCF-style: chr2-109389022-G-A.
Other names: short protein forms E2700K.
Identifiers: ClinVar variation 1023366 (VCV001023366.7), dbSNP rs1479884674, ClinGen allele CA348082618.